The following is an entry in ClinVar:

ClinVar aggregate classification (germline): Uncertain significance. Review status: criteria provided, multiple submitters, no conflicts (2 of 4 stars). 2 submissions from 2 submitters: Uncertain significance (2). Last evaluated 2025-07-22.

Conditions:
DICER1-related tumor predisposition. Also called: DICER1-related pleuropulmonary blastoma cancer predisposition syndrome; DICER1 syndrome. Identifiers: Orphanet 284343, MedGen C3839822, MONDO:0100216.
Hereditary cancer-predisposing syndrome. Also called: Tumor predisposition; Neoplastic Syndromes, Hereditary; Hereditary Cancer Syndrome; Hereditary neoplastic syndrome. Identifiers: Orphanet 140162, MedGen C0027672, MeSH D009386, MONDO:0015356.

Submissions (2):

Labcorp Genetics (formerly Invitae), Labcorp
Classification: Uncertain significance for DICER1-related tumor predisposition. Last evaluated: 2025-07-22. Review status: criteria provided, single submitter. Criteria: Invitae Variant Classification Sherloc (09022015). Collection method: clinical testing. Allele origin: germline.
Comment: This sequence change replaces threonine, which is neutral and polar, with alanine, which is neutral and non-polar, at codon 779 of the DICER1 protein (p.Thr779Ala). This variant is not present in population databases (gnomAD no frequency). This variant has not been reported in the literature in individuals affected with DICER1-related conditions. ClinVar contains an entry for this variant (Variation ID: 477099). Invitae Evidence Modeling of protein sequence and biophysical properties (such as structural, functional, and spatial information, amino acid conservation, physicochemical variation, residue mobility, and thermodynamic stability) indicates that this missense variant is not expected to disrupt DICER1 protein function with a negative predictive value of 95%. In summary, the available evidence is currently insufficient to determine the role of this variant in disease. Therefore, it has been classified as a Variant of Uncertain Significance.

Ambry Genetics
Classification: Uncertain significance for Hereditary cancer-predisposing syndrome. Last evaluated: 2025-01-05. Review status: criteria provided, single submitter. Criteria: Ambry Variant Classification Scheme 2023. Collection method: clinical testing. Allele origin: germline.
Comment: The p.T779A variant (also known as c.2335A>G), located in coding exon 14 of the DICER1 gene, results from an A to G substitution at nucleotide position 2335. The threonine at codon 779 is replaced by alanine, an amino acid with similar properties. This amino acid position is conserved. In addition, the in silico prediction for this alteration is inconclusive. Based on the available evidence, the clinical significance of this variant remains unclear.

NM_177438.3(DICER1):c.2335A>G (p.Thr779Ala)

Gene: DICER1 (dicer 1, ribonuclease III; minus strand). Cytogenetic location: 14q32.13.
Variant type: single nucleotide variant.
Coding change: c.2335A>G on transcript NM_177438.3 (MANE Select); coding-DNA position 2335, A replaced by G.
Protein change: p.Thr779Ala; replaces threonine 779 with alanine.
Molecular consequence: missense variant.
Genome position (GRCh38, 1-based): chr14:95,108,425, T>C on the plus strand (A>G on the coding strand, the complement: DICER1 is on the minus strand). VCF-style: chr14-95108425-T-C. GRCh37 (hg19) VCF-style: chr14-95574762-T-C.
Other names: c.2335A>G, p.Thr779Ala (NM_001195573.1, NM_001271282.3, NM_001291628.2 and 1 more transcripts); short protein forms T779A.
Identifiers: ClinVar variation 477099 (VCV000477099.11), dbSNP rs1555370931, ClinGen allele CA390882268.